The following is an entry in ClinVar:

NM_005154.5(USP8):c.2121T>C (p.Asp707=)

Gene: USP8 (ubiquitin specific peptidase 8; plus strand). Cytogenetic location: 15q21.2.
Variant type: single nucleotide variant.
Coding change: c.2121T>C on transcript NM_005154.5 (MANE Select); coding-DNA position 2121, T replaced by C.
Protein change: p.Asp707=; no amino-acid change (aspartic acid 707 retained).
Molecular consequence: synonymous variant.
Genome position (GRCh38, 1-based): chr15:50,490,412, T>C. VCF-style: chr15-50490412-T-C. GRCh37 (hg19) VCF-style: chr15-50782609-T-C.
Other names: c.2121T>C, p.Asp707= (NM_001128610.3); c.1803T>C, p.Asp601= (NM_001283049.2).
Identifiers: ClinVar variation 1635362 (VCV001635362.15), dbSNP rs767210381, ClinGen allele CA7555896.

ClinVar aggregate classification (germline): Likely benign. Review status: criteria provided, multiple submitters, no conflicts (2 of 4 stars). 2 submissions from 2 submitters: Likely benign (2). Last evaluated 2026-01-12.

Conditions:
Hereditary spastic paraplegia. Also called: Familial spastic paraparesis. Identifiers: Orphanet 685, MedGen C0037773, MONDO:0019064. Disease mechanism: loss of function.

Allele frequency attached by ClinVar (database versions not stated): gnomAD 0.00001; TOPMed 0.00001; gnomAD exomes 0.00004 and 0.00006; ExAC 0.00007.
gnomAD v4.1: 63 of 1,614,140 alleles (0.0039%); highest among the groups gnomAD compares: Middle Eastern, 0.066%; 3 homozygotes.

Submissions (2):

Labcorp Genetics (formerly Invitae), Labcorp
Classification: Likely benign for Hereditary spastic paraplegia. Last evaluated: 2026-01-12. Review status: criteria provided, single submitter. Criteria: Invitae Variant Classification Sherloc (09022015). Collection method: clinical testing. Allele origin: germline.

CeGaT Center for Human Genetics Tuebingen
Classification: Likely benign. Last evaluated: 2025-03-01. Review status: criteria provided, single submitter. Criteria: CeGaT Center For Human Genetics Tuebingen Variant Classification Criteria Version 2. Collection method: clinical testing. Allele origin: germline. Affected: yes. Observed: 1 variant allele.
Comment: USP8: BP4, BP7